The following is an entry in ClinVar:

ClinVar aggregate classification (germline): Likely benign (0 of 4 stars; one submission).

Conditions:
PLXNA4-related disorder. Also called: PLXNA4-related condition.

Allele frequency attached by ClinVar (database versions not stated): ExAC 0.00010; gnomAD 0.00023; TOPMed 0.00031; 1000 Genomes Project 0.00040; 1000 Genomes Project 30x 0.00047; ESP Exome Variant Server 0.00054.
gnomAD v4.1: 79 of 1,604,376 alleles (0.0049%); highest among the groups gnomAD compares: African/African-American, 0.096%; no homozygotes.

Submission:

PreventionGenetics, part of Exact Sciences
Classification: Likely benign for PLXNA4-related condition. Last evaluated: 2021-06-02. Review status: no assertion criteria provided. Collection method: clinical testing. Allele origin: germline.
Comment: This variant is classified as likely benign based on ACMG/AMP sequence variant interpretation guidelines (Richards et al. 2015 PMID: 25741868, with internal and published modifications).

NM_020911.2(PLXNA4):c.1314T>C (p.Tyr438=)

Gene: PLXNA4 (plexin A4; minus strand). Cytogenetic location: 7q32.3.
Variant type: single nucleotide variant.
Coding change: c.1314T>C on transcript NM_020911.2 (MANE Select); coding-DNA position 1314, T replaced by C.
Protein change: p.Tyr438=; no amino-acid change (tyrosine 438 retained).
Molecular consequence: synonymous variant.
Genome position (GRCh38, 1-based): chr7:132,489,349, A>G on the plus strand (T>C on the coding strand, the complement: PLXNA4 is on the minus strand). VCF-style: chr7-132489349-A-G. GRCh37 (hg19) VCF-style: chr7-132174108-A-G.
Other names: c.1314T>C, p.Tyr438= (NM_001105543.2, NM_001393897.1, NM_181775.4).
Identifiers: ClinVar variation 3036360 (VCV003036360.2), dbSNP rs141553520, ClinGen allele CA4490307.